The following is an entry in ClinVar:

NM_006214.4(PHYH):c.793G>T (p.Gly265Ter)

Gene: PHYH (phytanoyl-CoA 2-hydroxylase; minus strand). Cytogenetic location: 10p13.
Variant type: single nucleotide variant.
Coding change: c.793G>T on transcript NM_006214.4 (MANE Select); coding-DNA position 793, G replaced by T.
Protein change: p.Gly265Ter; replaces glycine 265 with a stop codon.
Molecular consequence: nonsense.
Genome position (GRCh38, 1-based): chr10:13,283,725, C>A on the plus strand (G>T on the coding strand, the complement: PHYH is on the minus strand). VCF-style: chr10-13283725-C-A. GRCh37 (hg19) VCF-style: chr10-13325725-C-A.
Other names: c.493G>T, p.Gly165Ter (NM_001037537.2, NM_001323080.2); c.799G>T, p.Gly267Ter (NM_001323082.2); c.529G>T, p.Gly177Ter (NM_001323083.2); c.499G>T, p.Gly167Ter (NM_001323084.2); short protein forms G165*, G167*, G177*, G265*, G267*.
Identifiers: ClinVar variation 5011681 (VCV005011681.1).

ClinVar aggregate classification (germline): Pathogenic (1 of 4 stars; one submission).

Conditions:
Refsum disease, classic. Also called: HEREDOPATHIA ATACTICA POLYNEURITIFORMIS; HMSN IV; PHYTANIC ACID OXIDASE DEFICIENCY; PHYH-Related Refsum Disease. Identifiers: Orphanet 773, MedGen C5780941, MONDO:1060256, OMIM 266500. Disease mechanism: loss of function.

Submission:

Myriad Genetics, Inc.
Classification: Pathogenic for Refsum disease, classic. Last evaluated: 2023-09-16. Review status: criteria provided, single submitter. Criteria: Myriad Autosomal Dominant, Autosomal Recessive and X-Linked Classification Criteria (2023). Collection method: clinical testing. Allele origin: unknown.
Comment: NM_006214.3(PHYH):c.793G>T(G265*) is expected to be pathogenic in the context of Refsum disease, PHYH-related. This variant is predicted to lead to an abnormal or absent protein product due to the creation of a premature termination codon in PHYH, a gene where loss-of-function variants are known to be pathogenic. Please note: this variant was assessed in the context of healthy population screening.